The following is an entry in ClinVar:

NM_004408.4(DNM1):c.312G>A (p.Glu104=)

Genes: DNM1 (dynamin 1; plus strand), LOC113839516 (Sharpr-MPRA regulatory region 8497; plus strand). Cytogenetic location: 9q34.11.
Variant type: single nucleotide variant.
Coding change: c.312G>A on transcript NM_004408.4 (MANE Select); coding-DNA position 312, G replaced by A.
Protein change: p.Glu104=; no amino-acid change (glutamic acid 104 retained).
Molecular consequence: synonymous variant.
Genome position (GRCh38, 1-based): chr9:128,218,658, G>A. VCF-style: chr9-128218658-G-A. GRCh37 (hg19) VCF-style: chr9-130980937-G-A.
Other names: p.Glu104=; c.312G>A, p.Glu104= (NM_001005336.3, NM_001288737.2, NM_001288738.2 and 1 more transcripts).
Identifiers: ClinVar variation 380778 (VCV000380778.17), dbSNP rs2229917, ClinGen allele CA5257776.

ClinVar aggregate classification (germline): Benign/Likely benign. Review status: criteria provided, multiple submitters, no conflicts (2 of 4 stars). 6 submissions from 6 submitters: Benign (5); Likely benign (1). Last evaluated 2026-02-03.

Conditions:
Inborn genetic diseases. Identifiers: MedGen C0950123, MeSH D030342.
Developmental and epileptic encephalopathy, 31A. Also called: Developmental and epileptic encephalopathy, 31; Epileptic encephalopathy, early infantile, 31. Identifiers: Orphanet 2382, MedGen C4225357, MONDO:0014598, OMIM 616346.

Allele frequency attached by ClinVar (database versions not stated): gnomAD exomes 0.06767 and 0.07168; ExAC 0.07789; 1000 Genomes Project 0.10124; 1000 Genomes Project 30x 0.10587; gnomAD 0.10955 and 0.11354; TOPMed 0.11524; ESP Exome Variant Server 0.12125.
gnomAD v4.1: 116,120 of 1,613,176 alleles (7.2%); highest among the groups gnomAD compares: African/African-American, 23%; 5,489 homozygotes.

Submissions (6):

Labcorp Genetics (formerly Invitae), Labcorp
Classification: Benign for Developmental and epileptic encephalopathy, 31A. Last evaluated: 2026-02-03. Review status: criteria provided, single submitter. Criteria: Invitae Variant Classification Sherloc (09022015). Collection method: clinical testing. Allele origin: germline.

Blueprint Genetics
Classification: Likely benign. Last evaluated: 2024-11-27. Review status: criteria provided, single submitter. Criteria: ACMG Guidelines, 2015. Collection method: clinical testing. Allele origin: germline.

Mayo Clinic Laboratories, Mayo Clinic
Classification: Benign. Last evaluated: 2018-04-10. Review status: criteria provided, single submitter. Criteria: ACMG Guidelines, 2015. Collection method: clinical testing. Allele origin: germline. Observed: 104 variant alleles.

GeneDx
Classification: Benign. Last evaluated: 2016-01-07. Review status: criteria provided, single submitter. Criteria: GeneDx Variant Classification (06012015). Collection method: clinical testing. Allele origin: germline. Affected: yes.
Comment: This variant is considered likely benign or benign based on one or more of the following criteria: it is a conservative change, it occurs at a poorly conserved position in the protein, it is predicted to be benign by multiple in silico algorithms, and/or has population frequency not consistent with disease.

Ambry Genetics
Classification: Benign for Inborn genetic diseases. Last evaluated: 2015-12-31. Review status: criteria provided, single submitter. Criteria: Ambry Variant Classification Scheme 2023. Collection method: clinical testing. Allele origin: germline.

Breakthrough Genomics
Classification: Benign. Review status: criteria provided, single submitter. Criteria: ACMG Guidelines, 2015. Collection method: not provided. Allele origin: germline. Inheritance: Autosomal dominant inheritance. Affected: yes.